The following is an entry in ClinVar:

ClinVar aggregate classification (germline): Uncertain significance. Review status: criteria provided, multiple submitters, no conflicts (2 of 4 stars). 4 submissions from 4 submitters: Uncertain significance (4). Last evaluated 2024-12-19.

Conditions:
Hereditary cancer. Identifiers: MedGen C1333600.
DICER1-related tumor predisposition. Also called: DICER1 syndrome; DICER1-related pleuropulmonary blastoma cancer predisposition syndrome. Identifiers: Orphanet 284343, MedGen C3839822, MONDO:0100216.
Hereditary cancer-predisposing syndrome. Also called: Hereditary neoplastic syndrome; Neoplastic Syndromes, Hereditary; Hereditary Cancer Syndrome; Tumor predisposition. Identifiers: Orphanet 140162, MedGen C0027672, MeSH D009386, MONDO:0015356.

Allele frequency attached by ClinVar (database versions not stated): gnomAD 0.00001; TOPMed 0.00001.
gnomAD v4.1: 1 of 1,614,030 alleles (0.000062%); highest among the groups gnomAD compares: Non-Finnish European, 0.000085%; no homozygotes.

Submissions (4):

Hereditary Cancer Group, L’Institut d'Investigació Biomèdica de Bellvitge
Classification: Uncertain significance for Hereditary cancer-predisposing syndrome. Last evaluated: 2024-12-19. Review status: criteria provided, single submitter. Criteria: Hatton et al. (Hum Mutat. 2023). Collection method: clinical testing. Allele origin: germline. Inheritance: Autosomal dominant inheritance. Affected: yes.
Comment: BP4

Labcorp Genetics (formerly Invitae), Labcorp
Classification: Uncertain significance for DICER1-related tumor predisposition. Last evaluated: 2024-12-04. Review status: criteria provided, single submitter. Criteria: Invitae Variant Classification Sherloc (09022015). Collection method: clinical testing. Allele origin: germline.
Comment: This sequence change replaces threonine, which is neutral and polar, with isoleucine, which is neutral and non-polar, at codon 1475 of the DICER1 protein (p.Thr1475Ile). This variant is not present in population databases (gnomAD no frequency). This variant has not been reported in the literature in individuals affected with DICER1-related conditions. ClinVar contains an entry for this variant (Variation ID: 1391448). Invitae Evidence Modeling of protein sequence and biophysical properties (such as structural, functional, and spatial information, amino acid conservation, physicochemical variation, residue mobility, and thermodynamic stability) indicates that this missense variant is not expected to disrupt DICER1 protein function with a negative predictive value of 95%. In summary, the available evidence is currently insufficient to determine the role of this variant in disease. Therefore, it has been classified as a Variant of Uncertain Significance.

Mendelics
Classification: Uncertain significance for Hereditary cancer. Last evaluated: 2024-08-12. Review status: criteria provided, single submitter. Criteria: ACMG Guidelines, 2015. Collection method: clinical testing. Allele origin: unknown.

Ambry Genetics
Classification: Uncertain significance for Hereditary cancer-predisposing syndrome. Last evaluated: 2022-08-09. Review status: criteria provided, single submitter. Criteria: Ambry Variant Classification Scheme 2023. Collection method: clinical testing. Allele origin: germline.
Comment: The p.T1475I variant (also known as c.4424C>T), located in coding exon 22 of the DICER1 gene, results from a C to T substitution at nucleotide position 4424. The threonine at codon 1475 is replaced by isoleucine, an amino acid with similar properties. This amino acid position is conserved. In addition, this alteration is predicted to be tolerated by in silico analysis. Since supporting evidence is limited at this time, the clinical significance of this alteration remains unclear.

NM_177438.3(DICER1):c.4424C>T (p.Thr1475Ile)

Gene: DICER1 (dicer 1, ribonuclease III; minus strand). Cytogenetic location: 14q32.13.
Variant type: single nucleotide variant.
Coding change: c.4424C>T on transcript NM_177438.3 (MANE Select); coding-DNA position 4424, C replaced by T.
Protein change: p.Thr1475Ile; replaces threonine 1475 with isoleucine.
Molecular consequence: missense variant.
Genome position (GRCh38, 1-based): chr14:95,096,496, G>A on the plus strand (C>T on the coding strand, the complement: DICER1 is on the minus strand). VCF-style: chr14-95096496-G-A. GRCh37 (hg19) VCF-style: chr14-95562833-G-A.
Other names: c.4424C>T, p.Thr1475Ile (NM_001195573.1, NM_001271282.3, NM_001291628.2 and 1 more transcripts); short protein forms T1475I.
Identifiers: ClinVar variation 1391448 (VCV001391448.13), dbSNP rs1890353344, ClinGen allele CA390868639.